The following is an entry in ClinVar:

ClinVar aggregate classification (germline): Likely pathogenic (1 of 4 stars; one submission).

Submission:

CeGaT Center for Human Genetics Tuebingen
Classification: Likely pathogenic. Last evaluated: 2022-08-01. Review status: criteria provided, single submitter. Criteria: CeGaT Center For Human Genetics Tuebingen Variant Classification Criteria Version 2. Collection method: clinical testing. Allele origin: germline. Affected: yes. Observed: 2 variant alleles.
Comment: PHKA2: PM2, PM5, PP3, PP4

NM_000292.3(PHKA2):c.560G>A (p.Gly187Glu)

Gene: PHKA2 (phosphorylase kinase regulatory subunit alpha 2; minus strand). Cytogenetic location: Xp22.13.
Variant type: single nucleotide variant.
Coding change: c.560G>A on transcript NM_000292.3 (MANE Select); coding-DNA position 560, G replaced by A.
Protein change: p.Gly187Glu; replaces glycine 187 with glutamic acid.
Molecular consequence: missense variant.
Genome position (GRCh38, 1-based): chrX:18,945,136, C>T on the plus strand (G>A on the coding strand, the complement: PHKA2 is on the minus strand). VCF-style: chrX-18945136-C-T. GRCh37 (hg19) VCF-style: chrX-18963254-C-T.
Other names: short protein forms G187E.
Identifiers: ClinVar variation 1701593 (VCV001701593.31), dbSNP rs2147972073, ClinGen allele CA412372709.